The following is an entry in ClinVar:

ClinVar aggregate classification (germline): Likely benign (1 of 4 stars; one submission).

Allele frequency attached by ClinVar (database versions not stated): 1000 Genomes Project 0.00280; 1000 Genomes Project 30x 0.00281; gnomAD 0.00341; TOPMed 0.00344; ESP Exome Variant Server 0.00377; ExAC 0.00388.
gnomAD v4.1: 7,371 of 1,613,790 alleles (0.46%); highest among the groups gnomAD compares: Middle Eastern, 0.96%; 53 homozygotes.

Submission:

CeGaT Center for Human Genetics Tuebingen
Classification: Likely benign. Last evaluated: 2026-02-01. Review status: criteria provided, single submitter. Criteria: CeGaT Center For Human Genetics Tuebingen Variant Classification Criteria Version 2. Collection method: clinical testing. Allele origin: germline. Affected: yes. Observed: 14 variant alleles.
Comment: FLG: BP4, BP7, BS2

NM_002016.2(FLG):c.10053C>T (p.Asp3351=)

Genes: CCDST (cervical cancer associated DHX9 suppressive transcript; plus strand), FLG (filaggrin; minus strand). Cytogenetic location: 1q21.3.
Variant type: single nucleotide variant.
Coding change: c.10053C>T on transcript NM_002016.2 (MANE Select); coding-DNA position 10053, C replaced by T.
Protein change: p.Asp3351=; no amino-acid change (aspartic acid 3351 retained).
Molecular consequence: synonymous variant.
Genome position (GRCh38, 1-based): chr1:152,304,833, G>A on the plus strand (C>T on the coding strand, the complement: FLG is on the minus strand). VCF-style: chr1-152304833-G-A. GRCh37 (hg19) VCF-style: chr1-152277309-G-A.
Identifiers: ClinVar variation 2639241 (VCV002639241.24), dbSNP rs34687484, ClinGen allele CA1103566.